The following is an entry in ClinVar:

NM_020937.4(FANCM):c.1967T>G (p.Leu656Trp)

Gene: FANCM (FA complementation group M; plus strand). Cytogenetic location: 14q21.2.
Variant type: single nucleotide variant.
Coding change: c.1967T>G on transcript NM_020937.4 (MANE Select); coding-DNA position 1967, T replaced by G.
Protein change: p.Leu656Trp; replaces leucine 656 with tryptophan.
Molecular consequence: missense variant.
Genome position (GRCh38, 1-based): chr14:45,167,128, T>G. VCF-style: chr14-45167128-T-G. GRCh37 (hg19) VCF-style: chr14-45636331-T-G.
Other names: c.1889T>G, p.Leu630Trp (NM_001308133.2); c.1967T>G, p.Leu656Trp (NM_001308134.2); short protein forms L630W, L656W.
Identifiers: ClinVar variation 3512953 (VCV003512953.1).

ClinVar aggregate classification (germline): Uncertain significance (1 of 4 stars; one submission).

Conditions:
Inborn genetic diseases. Identifiers: MedGen C0950123, MeSH D030342.

Submission:

Ambry Genetics
Classification: Uncertain significance for Inborn genetic diseases. Last evaluated: 2024-11-30. Review status: criteria provided, single submitter. Criteria: Ambry Variant Classification Scheme 2023. Collection method: clinical testing. Allele origin: germline.
Comment: The p.L656W variant (also known as c.1967T>G), located in coding exon 11 of the FANCM gene, results from a T to G substitution at nucleotide position 1967. The leucine at codon 656 is replaced by tryptophan, an amino acid with similar properties. This amino acid position is conserved. In addition, this alteration is predicted to be tolerated by in silico analysis. Based on the available evidence, the clinical significance of this variant remains unclear.